The following is an entry in ClinVar:

NM_012250.6(RRAS2):c.571C>T (p.Arg191Trp)

Gene: RRAS2 (RAS related 2; minus strand). Cytogenetic location: 11p15.2.
Variant type: single nucleotide variant.
Coding change: c.571C>T on transcript NM_012250.6 (MANE Select); coding-DNA position 571, C replaced by T.
Protein change: p.Arg191Trp; replaces arginine 191 with tryptophan.
Molecular consequence: missense variant.
Genome position (GRCh38, 1-based): chr11:14,279,381, G>A on the plus strand (C>T on the coding strand, the complement: RRAS2 is on the minus strand). VCF-style: chr11-14279381-G-A. GRCh37 (hg19) VCF-style: chr11-14300927-G-A.
Other names: c.340C>T, p.Arg114Trp (NM_001102669.3, NM_001177315.2); c.466C>T, p.Arg156Trp (NM_001177314.2); c.571C>T (NM_012250.5); short protein forms R191W, R156W, R114W.
Identifiers: ClinVar variation 1429063 (VCV001429063.7), dbSNP rs370564233, ClinGen allele CA5894228.

ClinVar aggregate classification (germline): Uncertain significance. Review status: criteria provided, multiple submitters, no conflicts (2 of 4 stars). 2 submissions from 2 submitters: Uncertain significance (2). Last evaluated 2025-06-24.

Conditions:
Inborn genetic diseases. Identifiers: MedGen C0950123, MeSH D030342.

Allele frequency attached by ClinVar (database versions not stated): TOPMed below 0.00001; ExAC 0.00001; gnomAD exomes 0.00001 and 0.00002; ESP Exome Variant Server 0.00008.
gnomAD v4.1: 27 of 1,613,050 alleles (0.0017%); highest among the groups gnomAD compares: East Asian, 0.0045%; no homozygotes.

Submissions (2):

Ambry Genetics
Classification: Uncertain significance for Inborn genetic diseases. Last evaluated: 2025-06-24. Review status: criteria provided, single submitter. Criteria: Ambry Variant Classification Scheme 2023. Collection method: clinical testing. Allele origin: germline.

Labcorp Genetics (formerly Invitae), Labcorp
Classification: Uncertain significance. Last evaluated: 2024-01-29. Review status: criteria provided, single submitter. Criteria: Invitae Variant Classification Sherloc (09022015). Collection method: clinical testing. Allele origin: germline.
Comment: This sequence change replaces arginine, which is basic and polar, with tryptophan, which is neutral and slightly polar, at codon 191 of the RRAS2 protein (p.Arg191Trp). This variant is present in population databases (rs370564233, gnomAD 0.002%). This variant has not been reported in the literature in individuals affected with RRAS2-related conditions. ClinVar contains an entry for this variant (Variation ID: 1429063). An algorithm developed to predict the effect of missense changes on protein structure and function (PolyPhen-2) suggests that this variant is likely to be tolerated. In summary, the available evidence is currently insufficient to determine the role of this variant in disease. Therefore, it has been classified as a Variant of Uncertain Significance.